The following is an entry in ClinVar:

ClinVar aggregate classification (germline): Likely benign. Review status: criteria provided, multiple submitters, no conflicts (2 of 4 stars). 2 submissions from 2 submitters: Likely benign (2). Last evaluated 2025-02-24.

Conditions:
Marfan syndrome (MFS). Also called: Marfan syndrome, classic; Marfan syndrome type 1; Marfan's syndrome; MARFAN SYNDROME, TYPE I; FBN1-Related Marfan Syndrome. Identifiers: Orphanet 284963, Orphanet 558, MedGen C0024796, MONDO:0007947, OMIM 154700.
Familial thoracic aortic aneurysm and aortic dissection (TAAD). Also called: Thoracic aortic aneurysms and dissections. Identifiers: Orphanet 91387, MedGen C4707243, MONDO:0019625.

Allele frequency attached by ClinVar (database versions not stated): gnomAD exomes below 0.00001 and 0.00001; ExAC 0.00001.
gnomAD v4.1: 2 of 1,613,992 alleles (0.00012%); highest among the groups gnomAD compares: Admixed American, 0.0033%; no homozygotes.

Submissions (2):

Labcorp Genetics (formerly Invitae), Labcorp
Classification: Likely benign for Marfan syndrome; Familial thoracic aortic aneurysm and aortic dissection. Last evaluated: 2025-02-24. Review status: criteria provided, single submitter. Criteria: Invitae Variant Classification Sherloc (09022015). Collection method: clinical testing. Allele origin: germline.

GeneDx
Classification: Likely benign. Last evaluated: 2016-06-10. Review status: criteria provided, single submitter. Criteria: GeneDx Variant Classification (06012015). Collection method: clinical testing. Allele origin: germline. Affected: yes.
Comment: This variant is considered likely benign or benign based on one or more of the following criteria: it is a conservative change, it occurs at a poorly conserved position in the protein, it is predicted to be benign by multiple in silico algorithms, and/or has population frequency not consistent with disease.

NM_000138.5(FBN1):c.1960+17G>A

Gene: FBN1 (fibrillin 1; minus strand). Cytogenetic location: 15q21.1.
Variant type: single nucleotide variant.
Coding change: c.1960+17G>A on transcript NM_000138.5 (MANE Select); 17 bases into the intron after coding-DNA position 1960, G replaced by A.
Molecular consequence: intron variant.
Genome position (GRCh38, 1-based): chr15:48,505,008, C>T on the plus strand (G>A on the coding strand, the complement: FBN1 is on the minus strand). VCF-style: chr15-48505008-C-T. GRCh37 (hg19) VCF-style: chr15-48797205-C-T.
Identifiers: ClinVar variation 386905 (VCV000386905.5), dbSNP rs749990136, ClinGen allele CA046367.
Genomic context (GRCh38, chr15:48,505,008, plus strand): 5'-GCGTTTGTTACCATTGGGCTTTATTGAGTGACAGAGGCTGAACCTCTCTCATAAGGTTAG[C>T]CATGATGTTTTCTTACCAACACACACACGGCCATCCAGACCCACAGCCAGTCCAGGGAAG-3'